The following is an entry in ClinVar:

NM_016580.4(PCDH12):c.2941C>T (p.Arg981Ter)

Genes: PCDH12 (protocadherin 12; minus strand), RNF14 (ring finger protein 14; plus strand). Cytogenetic location: 5q31.3.
Variant type: single nucleotide variant.
Coding change: c.2941C>T on transcript NM_016580.4 (MANE Select); coding-DNA position 2941, C replaced by T.
Protein change: p.Arg981Ter; replaces arginine 981 with a stop codon.
Molecular consequence: nonsense.
Genome position (GRCh38, 1-based): chr5:141,951,530, G>A on the plus strand (C>T on the coding strand, the complement: PCDH12 is on the minus strand). VCF-style: chr5-141951530-G-A. GRCh37 (hg19) VCF-style: chr5-141331095-G-A.
Other names: short protein forms R981*.
Identifiers: ClinVar variation 5016891 (VCV005016891.1).

ClinVar aggregate classification (germline): Pathogenic (1 of 4 stars; one submission).

gnomAD v4.1: 17 of 1,614,190 alleles (0.0011%); highest among the groups gnomAD compares: African/African-American, 0.0027%; no homozygotes.

Submission:

GeneDx
Classification: Pathogenic. Last evaluated: 2026-03-28. Review status: criteria provided, single submitter. Criteria: GeneDx Variant Classification Process June 2021. Collection method: clinical testing. Allele origin: germline.
Comment: Nonsense variant predicted to result in protein truncation or nonsense mediated decay in a gene for which loss of function is a known mechanism of disease; Not observed at significant frequency in large population cohorts (gnomAD); This variant is associated with the following publications: (PMID: 41202168)